The following is an entry in ClinVar:

NM_000051.4(ATM):c.2985T>A (p.Leu995=)

Gene: ATM (ATM serine/threonine kinase; plus strand). Cytogenetic location: 11q22.3.
Variant type: single nucleotide variant.
Coding change: c.2985T>A on transcript NM_000051.4 (MANE Select); coding-DNA position 2985, T replaced by A.
Protein change: p.Leu995=; no amino-acid change (leucine 995 retained).
Molecular consequence: synonymous variant.
Genome position (GRCh38, 1-based): chr11:108,271,314, T>A. VCF-style: chr11-108271314-T-A. GRCh37 (hg19) VCF-style: chr11-108142041-T-A.
Other names: c.2985T>A, p.Leu995= (NM_001351834.2).
Identifiers: ClinVar variation 453443 (VCV000453443.13), dbSNP rs1555085087, ClinGen allele CA476674296.

ClinVar aggregate classification (germline): Benign/Likely benign. Review status: criteria provided, multiple submitters, no conflicts (2 of 4 stars). 4 submissions from 4 submitters: Benign (1); Likely benign (3). Last evaluated 2024-05-13.

Conditions:
Hereditary cancer-predisposing syndrome. Also called: Tumor predisposition; Hereditary Cancer Syndrome; Neoplastic Syndromes, Hereditary; Hereditary neoplastic syndrome. Identifiers: Orphanet 140162, MedGen C0027672, MeSH D009386, MONDO:0015356.
Familial cancer of breast. Also called: Hereditary breast cancer; hereditary breast carcinoma; BREAST CANCER, FAMILIAL. Identifiers: Orphanet 227535, MedGen C0346153, MONDO:0016419, OMIM 114480. Disease mechanism: loss of function.
Ataxia-telangiectasia syndrome (AT). Also called: Cerebello-oculocutaneous telangiectasia; Immunodeficiency with ataxia telangiectasia; Ataxia-telangiectasia, complementation group D; AT, COMPLEMENTATION GROUP C; Ataxia-telangiectasia, complementation group E; LOUIS-BAR SYNDROME. Identifiers: Orphanet 100, MedGen C0004135, MONDO:0008840, OMIM 208900.

Allele frequency attached by ClinVar (database versions not stated): TOPMed below 0.00001.

Submissions (4):

Myriad Genetics, Inc.
Classification: Benign for Familial cancer of breast. Last evaluated: 2024-05-13. Review status: criteria provided, single submitter. Criteria: Myriad Autosomal Dominant, Autosomal Recessive and X-Linked Classification Criteria (2023). Collection method: clinical testing. Allele origin: unknown.
Comment: This variant is considered benign. This variant is a silent/synonymous amino acid change and it is not expected to impact splicing.

Labcorp Genetics (formerly Invitae), Labcorp
Classification: Likely benign for Ataxia-telangiectasia syndrome. Last evaluated: 2023-09-23. Review status: criteria provided, single submitter. Criteria: Invitae Variant Classification Sherloc (09022015). Collection method: clinical testing. Allele origin: germline.

Ambry Genetics
Classification: Likely benign for Hereditary cancer-predisposing syndrome. Last evaluated: 2021-05-03. Review status: criteria provided, single submitter. Criteria: Ambry Variant Classification Scheme 2023. Collection method: clinical testing. Allele origin: germline.

Color Diagnostics, LLC DBA Color Health
Classification: Likely benign for Hereditary cancer-predisposing syndrome. Last evaluated: 2020-11-23. Review status: criteria provided, single submitter. Criteria: ACMG Guidelines, 2015. Collection method: clinical testing. Allele origin: germline.